The following is an entry in ClinVar:

ClinVar aggregate classification (germline): Benign/Likely benign. Review status: criteria provided, multiple submitters, no conflicts (2 of 4 stars). 2 submissions from 2 submitters: Benign (1); Likely benign (1). Last evaluated 2026-07-01.

Conditions:
Sessile serrated polyposis cancer syndrome (SSPCS). Identifiers: Orphanet 157798, MedGen C4310714, MONDO:0014919, OMIM 617108.

gnomAD v4.1: 2 of 1,600,518 alleles (0.00012%); highest among the groups gnomAD compares: Admixed American, 0.0034%; no homozygotes.

Submissions (2):

Myriad Genetics, Inc.
Classification: Benign for Sessile serrated polyposis cancer syndrome. Last evaluated: 2026-07-01. Review status: criteria provided, single submitter. Criteria: Myriad Autosomal Dominant, Autosomal Recessive and X-Linked Classification Criteria (2023). Collection method: clinical testing. Allele origin: unknown.
Comment: This variant is considered benign. This variant is a silent/synonymous amino acid change and it is not expected to impact splicing.

Ambry Genetics
Classification: Likely benign. Last evaluated: 2024-12-14. Review status: criteria provided, single submitter. Criteria: Ambry Variant Classification Scheme 2023. Collection method: clinical testing. Allele origin: germline.

NM_017763.6(RNF43):c.1200A>G (p.Gly400=)

Gene: RNF43 (ring finger protein 43; minus strand). Cytogenetic location: 17q22.
Variant type: single nucleotide variant.
Coding change: c.1200A>G on transcript NM_017763.6 (MANE Select); coding-DNA position 1200, A replaced by G.
Protein change: p.Gly400=; no amino-acid change (glycine 400 retained).
Molecular consequence: synonymous variant.
Genome position (GRCh38, 1-based): chr17:58,358,576, T>C on the plus strand (A>G on the coding strand, the complement: RNF43 is on the minus strand). VCF-style: chr17-58358576-T-C. GRCh37 (hg19) VCF-style: chr17-56435937-T-C.
Other names: c.1200A>G, p.Gly400= (NM_001305544.3); c.819A>G, p.Gly273= (NM_001305545.2).
Identifiers: ClinVar variation 3789850 (VCV003789850.2).